The following is an entry in ClinVar:

NM_017780.4(CHD7):c.525G>A (p.Ser175=)

Gene: CHD7 (chromodomain helicase DNA binding protein 7; plus strand). Cytogenetic location: 8q12.2.
Variant type: single nucleotide variant.
Coding change: c.525G>A on transcript NM_017780.4 (MANE Select); coding-DNA position 525, G replaced by A.
Protein change: p.Ser175=; no amino-acid change (serine 175 retained).
Molecular consequence: synonymous variant.
Genome position (GRCh38, 1-based): chr8:60,741,957, G>A. VCF-style: chr8-60741957-G-A. GRCh37 (hg19) VCF-style: chr8-61654516-G-A.
Other names: c.525G>A (NM_017780.3); c.525G>A, p.Ser175= (NM_001316690.1).
Identifiers: ClinVar variation 3667111 (VCV003667111.3).

ClinVar aggregate classification (germline): Benign/Likely benign. Review status: criteria provided, multiple submitters, no conflicts (2 of 4 stars). 2 submissions from 2 submitters: Benign (1); Likely benign (1). Last evaluated 2026-07-06.

Conditions:
CHD7-related disorder. Also called: CHD7-related condition.
CHARGE syndrome (CHARGE). Also called: Hittner Hirsch Kreh syndrome; CHARGE ASSOCIATION--COLOBOMA, HEART ANOMALY, CHOANAL ATRESIA, RETARDATION, GENITAL AND EAR ANOMALIES; Coloboma, heart anomaly, choanal atresia, retardation, genital and ear anomalies; CHARGE association; Hall-Hittner syndrome. Identifiers: Orphanet 138, MedGen C0265354, MONDO:0008965.

gnomAD v4.1: 17 of 1,613,458 alleles (0.0011%); highest among the groups gnomAD compares: East Asian, 0.0089%; no homozygotes.

Submissions (2):

PreventionGenetics, part of Exact Sciences
Classification: Likely benign for CHD7-related condition. Last evaluated: 2026-07-06. Review status: criteria provided, single submitter. Criteria: ACMG Guidelines, 2015. Collection method: clinical testing. Allele origin: germline.
Comment: This variant is classified as likely benign based on ACMG/AMP sequence variant interpretation guidelines (Richards et al. 2015 PMID: 25741868, with internal and published modifications).

Labcorp Genetics (formerly Invitae), Labcorp
Classification: Benign for CHARGE syndrome. Last evaluated: 2025-11-05. Review status: criteria provided, single submitter. Criteria: Invitae Variant Classification Sherloc (09022015). Collection method: clinical testing. Allele origin: germline.